The following is an entry in ClinVar:

ClinVar aggregate classification (germline): Likely benign. Review status: criteria provided, multiple submitters, no conflicts (2 of 4 stars). 2 submissions from 2 submitters: Likely benign (2). Last evaluated 2023-12-11.

Allele frequency attached by ClinVar (database versions not stated): ExAC 0.00003; gnomAD exomes 0.00007; gnomAD 0.00009 and 0.00010; TOPMed 0.00012; ESP Exome Variant Server 0.00015.
gnomAD v4.1: 41 of 1,613,024 alleles (0.0025%); highest among the groups gnomAD compares: African/African-American, 0.02%; no homozygotes.

Submissions (2):

Labcorp Genetics (formerly Invitae), Labcorp
Classification: Likely benign. Last evaluated: 2023-12-11. Review status: criteria provided, single submitter. Criteria: Invitae Variant Classification Sherloc (09022015). Collection method: clinical testing. Allele origin: germline.

Laboratory for Molecular Medicine, Mass General Brigham Personalized Medicine
Classification: Likely benign. Last evaluated: 2012-04-30. Review status: criteria provided, single submitter. Criteria: LMM Criteria. Collection method: clinical testing. Allele origin: germline. Observed: 1 variant allele.
Comment: 1296+13C>T in Intron 09 of ESRRB: This variant is not expected to have clinical significance because it is not located within the conserved splice consensus seq uence and has been identified in 0.1% (2/3736) of African American chromosomes f rom a broad population by the NHLBI Exome Sequencing Project.

NM_001379180.1(ESRRB):c.*7C>T

Gene: ESRRB (estrogen related receptor beta; plus strand). Cytogenetic location: 14q24.3.
Variant type: single nucleotide variant.
Coding change: c.*7C>T on transcript NM_001379180.1 (MANE Select); 7 bases downstream of the stop codon, C replaced by T.
Molecular consequence: 3 prime UTR variant. On other transcripts: intron variant (1).
Genome position (GRCh38, 1-based): chr14:76,498,465, C>T. VCF-style: chr14-76498465-C-T. GRCh37 (hg19) VCF-style: chr14-76964808-C-T.
Other names: c.1296+13C>T (NM_004452.4).
Identifiers: ClinVar variation 178344 (VCV000178344.7), dbSNP rs374018995, ClinGen allele CA182147.